The following is an entry in ClinVar:

ClinVar aggregate classification (germline): Uncertain significance. Review status: criteria provided, multiple submitters, no conflicts (2 of 4 stars). 3 submissions from 3 submitters: Uncertain significance (3). Last evaluated 2023-01-12.

Conditions:
Cystic fibrosis (CF). Also called: MUCOVISCIDOSIS. Identifiers: Orphanet 586, MedGen C0010674, MONDO:0009061, OMIM 219700. Disease mechanism: loss of function.

Allele frequency attached by ClinVar (database versions not stated): gnomAD exomes below 0.00001.
gnomAD v4.1: 2 of 1,612,928 alleles (0.00012%); highest among the groups gnomAD compares: Non-Finnish European, 0.00017%; no homozygotes.

Submissions (3):

Ambry Genetics
Classification: Uncertain significance for Cystic fibrosis. Last evaluated: 2023-01-12. Review status: criteria provided, single submitter. Criteria: Ambry Variant Classification Scheme 2023. Collection method: clinical testing. Allele origin: germline.
Comment: The p.S858N variant (also known as c.2573G>A), located in coding exon 15 of the CFTR gene, results from a G to A substitution at nucleotide position 2573. The serine at codon 858 is replaced by asparagine, an amino acid with highly similar properties. This amino acid position is conserved. In addition, this alteration is predicted to be tolerated by in silico analysis. Since supporting evidence is limited at this time, the clinical significance of this alteration remains unclear.

Labcorp Genetics (formerly Invitae), Labcorp
Classification: Uncertain significance for Cystic fibrosis. Last evaluated: 2022-08-16. Review status: criteria provided, single submitter. Criteria: Invitae Variant Classification Sherloc (09022015). Collection method: clinical testing. Allele origin: germline.
Comment: This variant is not present in population databases (gnomAD no frequency). This sequence change replaces serine, which is neutral and polar, with asparagine, which is neutral and polar, at codon 858 of the CFTR protein (p.Ser858Asn). In summary, the available evidence is currently insufficient to determine the role of this variant in disease. Therefore, it has been classified as a Variant of Uncertain Significance. This variant has not been reported in the literature in individuals affected with CFTR-related conditions. ClinVar contains an entry for this variant (Variation ID: 1163869). Algorithms developed to predict the effect of missense changes on protein structure and function output the following: SIFT: "Tolerated"; PolyPhen-2: "Benign"; Align-GVGD: "Class C0". The asparagine amino acid residue is found in multiple mammalian species, which suggests that this missense change does not adversely affect protein function.

Mayo Clinic Laboratories, Mayo Clinic
Classification: Uncertain significance. Last evaluated: 2020-10-16. Review status: criteria provided, single submitter. Criteria: ACMG Guidelines, 2015. Collection method: clinical testing. Allele origin: germline. Observed: 1 variant allele.

NM_000492.4(CFTR):c.2573G>A (p.Ser858Asn)

Gene: CFTR (CF transmembrane conductance regulator; plus strand). Cytogenetic location: 7q31.2.
Variant type: single nucleotide variant.
Coding change: c.2573G>A on transcript NM_000492.4 (MANE Select); coding-DNA position 2573, G replaced by A.
Protein change: p.Ser858Asn; replaces serine 858 with asparagine.
Molecular consequence: missense variant.
Genome position (GRCh38, 1-based): chr7:117,595,012, G>A. VCF-style: chr7-117595012-G-A. GRCh37 (hg19) VCF-style: chr7-117235066-G-A.
Other names: short protein forms S858N.
Identifiers: ClinVar variation 1163869 (VCV001163869.11), dbSNP rs2116039677, ClinGen allele CA368983983.
Genomic context (GRCh38, chr7:117,595,012, plus strand): 5'-AGAGCATACCAGCAGTGACTACATGGAACACATACCTTCGATATATTACTGTCCACAAGA[G>A]CTTAATTTTTGTGCTAATTTGGTGCTTAGTAATTTTTCTGGCAGAGGTAAGAATGTTCTA-3'
Protein context (NP_000483.3, residues 848-868): TYLRYITVHK[Ser858Asn]LIFVLIWCLV